The following is an entry in ClinVar:

ClinVar aggregate classification (germline): Uncertain significance (1 of 4 stars; one submission).

Submission:

GeneDx
Classification: Uncertain significance. Last evaluated: 2025-06-24. Review status: criteria provided, single submitter. Criteria: GeneDx Variant Classification Process June 2021. Collection method: clinical testing. Allele origin: germline. Affected: yes.
Comment: Not observed at significant frequency in large population cohorts (gnomAD); In silico analysis suggests that this missense variant does not alter protein structure/function; Has not been previously published as pathogenic or benign to our knowledge

NM_015100.4(POGZ):c.1831A>G (p.Met611Val)

Gene: POGZ (pogo transposable element derived with ZNF domain; minus strand). Cytogenetic location: 1q21.3.
Variant type: single nucleotide variant.
Coding change: c.1831A>G on transcript NM_015100.4 (MANE Select); coding-DNA position 1831, A replaced by G.
Protein change: p.Met611Val; replaces methionine 611 with valine.
Molecular consequence: missense variant.
Genome position (GRCh38, 1-based): chr1:151,411,720, T>C on the plus strand (A>G on the coding strand, the complement: POGZ is on the minus strand). VCF-style: chr1-151411720-T-C. GRCh37 (hg19) VCF-style: chr1-151384196-T-C.
Other names: c.1804A>G, p.Met602Val (NM_001194937.2); c.1645A>G, p.Met549Val (NM_001194938.2); c.1852A>G, p.Met618Val (NM_001410860.1); c.1546A>G, p.Met516Val (NM_145796.4); c.1672A>G, p.Met558Val (NM_207171.2); short protein forms M516V, M549V, M558V, M602V, M611V, M618V.
Identifiers: ClinVar variation 4540305 (VCV004540305.1).